The following is an entry in ClinVar:

NM_020686.6(ABAT):c.1238A>G (p.Lys413Arg)

Gene: ABAT (4-aminobutyrate aminotransferase; plus strand). Cytogenetic location: 16p13.2.
Variant type: single nucleotide variant.
Coding change: c.1238A>G on transcript NM_020686.6 (MANE Select); coding-DNA position 1238, A replaced by G.
Protein change: p.Lys413Arg; replaces lysine 413 with arginine.
Molecular consequence: missense variant.
Genome position (GRCh38, 1-based): chr16:8,776,459, A>G. VCF-style: chr16-8776459-A-G. GRCh37 (hg19) VCF-style: chr16-8870316-A-G.
Other names: c.1103A>G, p.Lys368Arg (NM_001386610.1, NM_001386611.1); c.1040A>G, p.Lys347Arg (NM_001386612.1, NM_001386613.1); c.992A>G, p.Lys331Arg (NM_001386614.1); c.1334A>G, p.Lys445Arg (NM_001386615.1); c.1238A>G, p.Lys413Arg (NM_001386616.1, NM_000663.5, NM_001127448.2 and 6 more transcripts); c.1199A>G, p.Lys400Arg (NM_001386605.1); c.1175A>G, p.Lys392Arg (NM_001386606.1, NM_001386607.1); c.1145A>G, p.Lys382Arg (NM_001386608.1); short protein forms K331R, K347R, K368R, K382R, K392R, K400R, K413R, K445R.
Identifiers: ClinVar variation 1717900 (VCV001717900.3), dbSNP rs2549115789, ClinGen allele CA394690380.
Genomic context (GRCh38, chr16:8,776,459, plus strand): 5'-CTGAGGTCATCAACATCATCAAGCGGGAGGACCTGCTAAATAATGCAGCCCATGCCGGGA[A>G]GGCCCTGCTCACAGGACTGCTGGACCTCCAGGTAACACCCCCTCCCCTGCCCCGCCCCCA-3'
Protein context (NP_065737.2, residues 403-423): DLLNNAAHAG[Lys413Arg]ALLTGLLDLQ

ClinVar aggregate classification (germline): Uncertain significance (1 of 4 stars; one submission).

Conditions:
Gamma-aminobutyric acid transaminase deficiency (GABATD). Also called: 4 alpha aminobutyrate transaminase deficiency; GABA transaminase deficiency; Gamma aminobutyrate transaminase deficiency; GABA aminotransaminase deficiency. Identifiers: Orphanet 2066, MedGen C0342708, MONDO:0013166, OMIM 613163.

gnomAD v4.1: 1 of 1,614,218 alleles (0.000062%); highest among the groups gnomAD compares: Non-Finnish European, 0.000085%; no homozygotes.

Submission:

Labcorp Genetics (formerly Invitae), Labcorp
Classification: Uncertain significance for Gamma-aminobutyric acid transaminase deficiency. Last evaluated: 2022-07-21. Review status: criteria provided, single submitter. Criteria: Invitae Variant Classification Sherloc (09022015). Collection method: clinical testing. Allele origin: germline.
Comment: This sequence change replaces lysine, which is basic and polar, with arginine, which is basic and polar, at codon 413 of the ABAT protein (p.Lys413Arg). This variant is not present in population databases (gnomAD no frequency). This variant has not been reported in the literature in individuals affected with ABAT-related conditions. Algorithms developed to predict the effect of missense changes on protein structure and function (SIFT, PolyPhen-2, Align-GVGD) all suggest that this variant is likely to be tolerated. In summary, the available evidence is currently insufficient to determine the role of this variant in disease. Therefore, it has been classified as a Variant of Uncertain Significance.